The following is an entry in ClinVar:

NM_001048174.2(MUTYH):c.349G>C (p.Val117Leu)

Gene: MUTYH (mutY DNA glycosylase; minus strand). Cytogenetic location: 1p34.1.
Variant type: single nucleotide variant.
Coding change: c.349G>C on transcript NM_001048174.2 (MANE Select); coding-DNA position 349, G replaced by C.
Protein change: p.Val117Leu; replaces valine 117 with leucine.
Molecular consequence: missense variant. On other transcripts: non-coding transcript variant (1), intron variant (2).
Genome position (GRCh38, 1-based): chr1:45,333,126, C>G on the plus strand (G>C on the coding strand, the complement: MUTYH is on the minus strand). VCF-style: chr1-45333126-C-G. GRCh37 (hg19) VCF-style: chr1-45798798-C-G.
Other names: c.349G>C, p.Val117Leu (NM_001048171.2, NM_001048173.2, NM_001293195.2); c.352G>C, p.Val118Leu (NM_001048172.2); c.433G>C, p.Val145Leu (NM_001128425.2); c.394G>C, p.Val132Leu (NM_001293190.2); c.382G>C, p.Val128Leu (NM_001293191.2); c.73G>C, p.Val25Leu (NM_001293192.2, NM_001293196.2); c.424G>C, p.Val142Leu (NM_012222.3); c.33+159G>C (NM_001350651.2, NM_001350650.2); short protein forms V145L, V118L, V25L, V142L, V117L, V128L, V132L.
Identifiers: ClinVar variation 234007 (VCV000234007.17), dbSNP rs876660791, ClinGen allele CA10577737.

ClinVar aggregate classification (germline): Conflicting classifications of pathogenicity. Review status: criteria provided, conflicting classifications (1 of 4 stars). 4 submissions from 4 submitters: Pathogenic (1); Likely pathogenic (1); Uncertain significance (2). Last evaluated 2026-08-25.

Conditions:
Hereditary cancer-predisposing syndrome. Also called: Hereditary Cancer Syndrome; Tumor predisposition; Hereditary neoplastic syndrome; Neoplastic Syndromes, Hereditary. Identifiers: Orphanet 140162, MedGen C0027672, MeSH D009386, MONDO:0015356.
Familial adenomatous polyposis 2. Also called: MUTYH-associated polyposis; Adenomas, multiple colorectal; FAP type 2; MUTYH Polyposis; COLORECTAL ADENOMATOUS POLYPOSIS, AUTOSOMAL RECESSIVE; ADENOMAS, MULTIPLE COLORECTAL, AUTOSOMAL RECESSIVE. Identifiers: Orphanet 220460, Orphanet 247798, MedGen C3272841, MONDO:0012041, OMIM 608456.

Submissions (4):

Myriad Genetics, Inc.
Classification: Likely pathogenic for Familial adenomatous polyposis 2. Last evaluated: 2026-08-25. Review status: criteria provided, single submitter. Criteria: Myriad Autosomal Dominant, Autosomal Recessive and X-Linked Classification Criteria (2023). Collection method: clinical testing. Allele origin: unknown.
Comment: This variant is considered likely pathogenic. Functional studies indicate this variant impacts protein function [PMID: 40738107]. This variant is expected to disrupt protein structure [Myriad internal data].

Ambry Genetics
Classification: Pathogenic for Hereditary cancer-predisposing syndrome. Last evaluated: 2026-05-20. Review status: criteria provided, single submitter. Criteria: Ambry Variant Classification Scheme 2023. Collection method: clinical testing. Allele origin: germline.
Comment: The p.V145L pathogenic mutation (also known as c.433G>C), located in coding exon 5 of the MUTYH gene, results from a G to C substitution at nucleotide position 433. The valine at codon 145 is replaced by leucine, an amino acid with highly similar properties. This variant has been identified in the homozygous state and/or in conjunction with other MUTYH variant(s) in individual(s) who met clinical criteria for MUTYH-associated polyposis (Ambry internal data). In a massively parallel cell-based functional assay testing 7,8-dihydro-8-oxoguanine:adenine (8OG:A) repair activity, a byproduct of oxidative damage, this variant was reported to be non-functional (Hemker SL et al. Am J Hum Genet. Published online July 29, 2025. DOI: 10.1016/j.ajhg.2025.07.005). This amino acid position is highly conserved in available vertebrate species. In addition, this alteration is predicted to be deleterious by in silico analysis. This variant is considered to be rare based on population cohorts in the Genome Aggregation Database (gnomAD). Based on the supporting evidence, this variant is interpreted as a disease-causing mutation.

Labcorp Genetics (formerly Invitae), Labcorp
Classification: Uncertain significance for Familial adenomatous polyposis 2. Last evaluated: 2025-12-03. Review status: criteria provided, single submitter. Criteria: Invitae Variant Classification Sherloc (09022015). Collection method: clinical testing. Allele origin: germline.
Comment: This sequence change replaces valine, which is neutral and non-polar, with leucine, which is neutral and non-polar, at codon 145 of the MUTYH protein (p.Val145Leu). This variant is not present in population databases (gnomAD no frequency). This variant has not been reported in the literature in individuals affected with MUTYH-related conditions. ClinVar contains an entry for this variant (Variation ID: 234007). An algorithm developed to predict the effect of missense changes on protein structure and function (PolyPhen-2) suggests that this variant is likely to be disruptive. In summary, the available evidence is currently insufficient to determine the role of this variant in disease. Therefore, it has been classified as a Variant of Uncertain Significance.

All of Us Research Program, National Institutes of Health
Classification: Uncertain significance for Familial adenomatous polyposis 2. Last evaluated: 2024-09-27. Review status: criteria provided, single submitter. Criteria: ACMG Guidelines, 2015. Collection method: clinical testing. Allele origin: germline. Inheritance: Autosomal recessive inheritance. Observed: 1 variant allele, 1 heterozygote.
Comment: This study involves interpretation of variants in research participants for the purpose of population health screening. Participant phenotype was not available at the time of variant classification. Additional details can be found in publication PMID: 35346344, PMCID: PMC8962531

Literature cited by the submitters: PubMed 40738107 (cited by Myriad Genetics, Inc. and Ambry Genetics).